The following is an entry in ClinVar:

NM_004380.3(CREBBP):c.4083G>A (p.Val1361=)

Gene: CREBBP (CREB binding lysine acetyltransferase; minus strand). Cytogenetic location: 16p13.3.
Variant type: single nucleotide variant.
Coding change: c.4083G>A on transcript NM_004380.3 (MANE Select); coding-DNA position 4083, G replaced by A.
Protein change: p.Val1361=; no amino-acid change (valine 1361 retained).
Molecular consequence: synonymous variant.
Genome position (GRCh38, 1-based): chr16:3,740,449, C>T on the plus strand (G>A on the coding strand, the complement: CREBBP is on the minus strand). VCF-style: chr16-3740449-C-T. GRCh37 (hg19) VCF-style: chr16-3790450-C-T.
Other names: c.3969G>A, p.Val1323= (NM_001079846.1).
Identifiers: ClinVar variation 4992877 (VCV004992877.1).

ClinVar aggregate classification (germline): Likely benign (1 of 4 stars; one submission).

Conditions:
CREBBP-related disorder. Also called: CREBBP-related condition; CREBBP-related disorders.

Submission:

PreventionGenetics, part of Exact Sciences
Classification: Likely benign for CREBBP-related condition. Last evaluated: 2026-03-25. Review status: criteria provided, single submitter. Criteria: ACMG Guidelines, 2015. Collection method: clinical testing. Allele origin: germline.
Comment: This variant is classified as likely benign based on ACMG/AMP sequence variant interpretation guidelines (Richards et al. 2015 PMID: 25741868, with internal and published modifications).